The following is an entry in ClinVar:

ClinVar aggregate classification (germline): Pathogenic/Likely pathogenic. Review status: criteria provided, multiple submitters, no conflicts (2 of 4 stars). 2 submissions from 2 submitters: Pathogenic (1); Likely pathogenic (1). Last evaluated 2025-04-30.

Conditions:
Mucopolysaccharidosis, MPS-III-A (MPS3A). Also called: HEPARAN SULFATE SULFATASE DEFICIENCY; SANFILIPPO SYNDROME A; SULFAMIDASE DEFICIENCY; MPS III A; MUCOPOLYSACCHARIDOSIS, TYPE IIIA, ATTENUATED; Mucopolysaccharidosis type IIIA (Sanfilippo A). Identifiers: Orphanet 581, Orphanet 79269, MedGen C0086647, MONDO:0009655, OMIM 252900.

Submissions (2):

Natera, Inc.
Classification: Likely pathogenic for Mucopolysaccharidosis type IIIA. Last evaluated: 2025-04-30. Review status: criteria provided, single submitter. Criteria: Natera Variant Classification Schema (03/2026). Collection method: clinical testing. Allele origin: germline.
Comment: The c.407_408del variant in SGSH is a frameshift variant predicted to shift the reading frame beginning at codon 136 and leads to a stop codon 18 codons downstream. This variant is expected to result in nonsense mediated decay, truncation, or a dysfunctional protein product. This variant is rare in the general population with a frequency below the threshold expected for the associated phenotype(s). Given the available evidence, this variant is classified as Likely Pathogenic.

Myriad Genetics, Inc.
Classification: Pathogenic for Mucopolysaccharidosis, MPS-III-A. Last evaluated: 2024-06-01. Review status: criteria provided, single submitter. Criteria: Myriad Autosomal Dominant, Autosomal Recessive and X-Linked Classification Criteria (2023). Collection method: clinical testing. Allele origin: unknown.
Comment: NM_000199.3(SGSH):c.407_408delTT(F136Cfs*18) is expected to be pathogenic in the context of mucopolysaccharidosis type IIIA. This variant is predicted to lead to an abnormal or absent protein product due to the creation of a premature termination codon in SGSH, a gene where loss-of-function variants are known to be pathogenic. Please note: this variant was assessed in the context of healthy population screening.

NM_000199.5(SGSH):c.407_408del (p.Phe136fs)

Gene: SGSH (N-sulfoglucosamine sulfohydrolase; minus strand). Cytogenetic location: 17q25.3.
Variant type: Deletion.
Coding change: c.407_408del on transcript NM_000199.5 (MANE Select); coding-DNA positions 407 to 408, 2 bases deleted (TT; older notation c.407_408delTT).
Protein change: p.Phe136fs; shifts the reading frame from phenylalanine 136.
Molecular consequence: frameshift variant. On other transcripts: non-coding transcript variant (1).
Genome position (GRCh38, 1-based): chr17:80,214,713-80,214,714, AA deleted on the plus strand (TT on the coding strand, the reverse complement: SGSH is on the minus strand); deleting any 2 consecutive bases within chr17:80,214,713-80,214,715 gives the same sequence; the c. name uses the placement nearest the transcript's 3' end. VCF-style (leftmost placement, unchanged base first): chr17-80214712-CAA-C. GRCh37 (hg19) VCF-style: chr17-78188511-CAA-C.
Other names: c.407_408del, p.Phe136fs (NM_001352921.3, NM_001352922.2); short protein forms F136fs.
Identifiers: ClinVar variation 4061354 (VCV004061354.3).